The following is an entry in ClinVar:

ClinVar aggregate classification (germline): Uncertain significance (1 of 4 stars; one submission).

Submission:

Labcorp Genetics (formerly Invitae), Labcorp
Classification: Uncertain significance. Last evaluated: 2023-01-20. Review status: criteria provided, single submitter. Criteria: Invitae Variant Classification Sherloc (09022015). Collection method: clinical testing. Allele origin: germline.
Comment: This sequence change replaces valine, which is neutral and non-polar, with alanine, which is neutral and non-polar, at codon 390 of the VCAN protein (p.Val390Ala). This variant is not present in population databases (gnomAD no frequency). This variant has not been reported in the literature in individuals affected with VCAN-related conditions. Algorithms developed to predict the effect of missense changes on protein structure and function are either unavailable or do not agree on the potential impact of this missense change (SIFT: "Deleterious"; PolyPhen-2: "Benign"; Align-GVGD: "Class C25"). In summary, the available evidence is currently insufficient to determine the role of this variant in disease. Therefore, it has been classified as a Variant of Uncertain Significance.

NM_004385.5(VCAN):c.1169T>C (p.Val390Ala)

Gene: VCAN (versican; plus strand). Cytogenetic location: 5q14.3.
Variant type: single nucleotide variant.
Coding change: c.1169T>C on transcript NM_004385.5 (MANE Select); coding-DNA position 1169, T replaced by C.
Protein change: p.Val390Ala; replaces valine 390 with alanine.
Molecular consequence: missense variant. On other transcripts: intron variant (2).
Genome position (GRCh38, 1-based): chr5:83,519,475, T>C. VCF-style: chr5-83519475-T-C. GRCh37 (hg19) VCF-style: chr5-82815294-T-C.
Other names: c.1169T>C, p.Val390Ala (NM_001164098.2); c.1042+7079T>C (NM_001164097.2, NM_001126336.3); short protein forms V390A.
Identifiers: ClinVar variation 2811012 (VCV002811012.3), dbSNP rs1745986513, ClinGen allele CA360299251.